The following is an entry in ClinVar:

ClinVar aggregate classification (germline): Likely pathogenic (1 of 4 stars; one submission).

Conditions:
Generalized pustular psoriasis. Identifiers: Orphanet 247353, MedGen C0343055, MONDO:0100491.

Allele frequency attached by ClinVar (database versions not stated): TOPMed below 0.00001; gnomAD exomes 0.00001.
gnomAD v4.1: 7 of 1,613,882 alleles (0.00043%); highest among the groups gnomAD compares: South Asian, 0.0077%; no homozygotes.

Submission:

Labcorp Genetics (formerly Invitae), Labcorp
Classification: Likely pathogenic for Generalized pustular psoriasis. Last evaluated: 2022-12-22. Review status: criteria provided, single submitter. Criteria: Invitae Variant Classification Sherloc (09022015). Collection method: clinical testing. Allele origin: germline.
Comment: In summary, the currently available evidence indicates that the variant is pathogenic, but additional data are needed to prove that conclusively. Therefore, this variant has been classified as Likely Pathogenic. Algorithms developed to predict the effect of sequence changes on RNA splicing suggest that this variant may disrupt the consensus splice site. ClinVar contains an entry for this variant (Variation ID: 1066220). This variant has not been reported in the literature in individuals affected with IL36RN-related conditions. This variant is present in population databases (no rsID available, gnomAD 0.006%). This sequence change affects a donor splice site in intron 2 of the IL36RN gene. It is expected to disrupt RNA splicing. Variants that disrupt the donor or acceptor splice site typically lead to a loss of protein function (PMID: 16199547), and loss-of-function variants in IL36RN are known to be pathogenic (PMID: 23698098).

Literature cited by the submitters: PubMed 16199547; PubMed 23698098.

NM_012275.3(IL36RN):c.29+1G>A

Gene: IL36RN (interleukin 36 receptor antagonist; plus strand). Cytogenetic location: 2q14.1.
Variant type: single nucleotide variant.
Coding change: c.29+1G>A on transcript NM_012275.3 (MANE Select); the canonical splice donor site of the intron after coding-DNA position 29, G replaced by A.
Molecular consequence: splice donor variant.
Genome position (GRCh38, 1-based): chr2:113,059,468, G>A. VCF-style: chr2-113059468-G-A. GRCh37 (hg19) VCF-style: chr2-113817045-G-A.
Other names: c.29+1G>A (NM_173170.1).
Identifiers: ClinVar variation 1066220 (VCV001066220.7), dbSNP rs1489262806, ClinGen allele CA348289061.